The following is an entry in ClinVar:

NM_001114753.3(ENG):c.774del (p.Pro257_Tyr258insTer)

Gene: ENG (endoglin; minus strand). Cytogenetic location: 9q34.11.
Variant type: Deletion.
Coding change: c.774del on transcript NM_001114753.3 (MANE Select); coding-DNA position 774, one base deleted (C; older notation c.774delC).
Protein change: p.Pro257_Tyr258insTer.
Molecular consequence: nonsense.
Genome position (GRCh38, 1-based): chr9:127,825,273, G deleted on the plus strand (C on the coding strand, the reverse complement: ENG is on the minus strand). VCF-style (leftmost placement, unchanged base first): chr9-127825272-CG-C. GRCh37 (hg19) VCF-style: chr9-130587551-CG-C.
Other names: c.774delC (NM_001114753.3); c.774del, p.Pro257_Tyr258insTer (NM_000118.4, NM_001406715.1); c.228del, p.Pro75_Tyr76insTer (NM_001278138.2).
Identifiers: ClinVar variation 3068667 (VCV003068667.1), dbSNP rs2539074028, ClinGen allele CA2573334441.

ClinVar aggregate classification (germline): Pathogenic (1 of 4 stars; one submission).

Conditions:
Hereditary hemorrhagic telangiectasia (HHT). Also called: ORW DISEASE; Osler Weber Rendu syndrome; OSLER-RENDU-WEBER DISEASE; Osler hemorrhagic telangiectasia syndrome. Identifiers: Orphanet 774, MedGen C0039445, MONDO:0019180. Disease mechanism: loss of function.

Submission:

Molecular Genetics, Royal Melbourne Hospital
Classification: Pathogenic for Hereditary hemorrhagic telangiectasia. Last evaluated: 2023-03-30. Review status: criteria provided, single submitter. Criteria: ACMG Guidelines, 2015. Collection method: clinical testing. Allele origin: germline. Affected: yes.
Comment: This sequence change in ENG is a frameshift variant predicted to cause a premature stop codon, p.(Tyr258*), in biologically relevant exon 6/15 leading to nonsense-mediated decay in a gene in which loss-of-function is an established disease mechanism. This variant is absent from the population database gnomAD v2.1 and v3.1. To our knowledge, this variant has not been reported in the relevant literature or databases. It has been identified in at least one individual with a clinical diagnosis of hereditary haemorrhagic telangiectasia (Royal Melbourne Hospital). Based on the classification scheme RMH Modified ACMG Guidelines v1.5.1, this variant is classified as PATHOGENIC. Following criteria are met: PVS1, PS4_Supporting, PM2_Supporting.